The following is an entry in ClinVar:

NM_004525.3(LRP2):c.639C>T (p.Asp213=)

Gene: LRP2 (LDL receptor related protein 2; minus strand). Cytogenetic location: 2q31.1.
Variant type: single nucleotide variant.
Coding change: c.639C>T on transcript NM_004525.3 (MANE Select); coding-DNA position 639, C replaced by T.
Protein change: p.Asp213=; no amino-acid change (aspartic acid 213 retained).
Molecular consequence: synonymous variant.
Genome position (GRCh38, 1-based): chr2:169,294,161, G>A on the plus strand (C>T on the coding strand, the complement: LRP2 is on the minus strand). VCF-style: chr2-169294161-G-A. GRCh37 (hg19) VCF-style: chr2-170150671-G-A.
Other names: p.Asp213=.
Identifiers: ClinVar variation 129533 (VCV000129533.25), dbSNP rs2229266, ClinGen allele CA153603.

ClinVar aggregate classification (germline): Benign/Likely benign. Review status: criteria provided, multiple submitters, no conflicts (2 of 4 stars). 9 submissions from 9 submitters: Benign (7); Likely benign (1). 1 of the submissions does not count toward it. Last evaluated 2026-02-04.

Conditions:
Donnai-Barrow syndrome. Also called: FACIOOCULOACOUSTICORENAL SYNDROME; DBS/FOAR SYNDROME. Identifiers: Orphanet 2143, MedGen C1857277, MONDO:0009104, OMIM 222448.

Allele frequency attached by ClinVar (database versions not stated): gnomAD exomes 0.27701 and 0.32675; ESP Exome Variant Server 0.28348; gnomAD 0.30270 and 0.30568; ExAC 0.32044; TOPMed 0.32533; 1000 Genomes Project 30x 0.36977; 1000 Genomes Project 0.37021.
gnomAD v4.1: 448,907 of 1,602,868 alleles (28%); highest among the groups gnomAD compares: Admixed American, 51%; 66,760 homozygotes.

Submissions (9):

Labcorp Genetics (formerly Invitae), Labcorp
Classification: Benign. Last evaluated: 2026-02-04. Review status: criteria provided, single submitter. Criteria: Invitae Variant Classification Sherloc (09022015). Collection method: clinical testing. Allele origin: germline.

Blueprint Genetics
Classification: Likely benign. Last evaluated: 2024-11-26. Review status: criteria provided, single submitter. Criteria: ACMG Guidelines, 2015. Collection method: clinical testing. Allele origin: germline.

Mayo Clinic Laboratories, Mayo Clinic
Classification: Benign. Last evaluated: 2022-11-10. Review status: criteria provided, single submitter. Criteria: ACMG Guidelines, 2015. Collection method: clinical testing. Allele origin: germline. Observed: 72 variant alleles.

Genome-Nilou Lab
Classification: Benign for Donnai-Barrow syndrome. Last evaluated: 2021-07-15. Review status: criteria provided, single submitter. Criteria: ACMG Guidelines, 2015. Collection method: clinical testing. Allele origin: germline. Affected: no.

Illumina Laboratory Services, Illumina
Classification: Benign for Donnai-Barrow syndrome. Last evaluated: 2018-01-13. Review status: criteria provided, single submitter. Criteria: ICSL Variant Classification Criteria 13 December 2019. Collection method: clinical testing. Allele origin: germline.
Comment: This variant was observed in the ICSL laboratory as part of a predisposition screen in an ostensibly healthy population. It had not been previously curated by ICSL or reported in the Human Gene Mutation Database (HGMD: prior to June 1st, 2018), and was therefore a candidate for classification through an automated scoring system. Utilizing variant allele frequency, disease prevalence and penetrance estimates, and inheritance mode, an automated score was calculated to assess if this variant is too frequent to cause the disease. Based on the score and internal cut-off values, a variant classified as benign is not then subjected to further curation. The score for this variant resulted in a classification of benign for this disease.

GeneDx
Classification: Benign. Last evaluated: 2015-03-03. Review status: criteria provided, single submitter. Criteria: GeneDx Variant Classification Process June 2021. Collection method: clinical testing. Allele origin: germline. Affected: yes.

Breakthrough Genomics
Classification: Benign. Review status: criteria provided, single submitter. Criteria: ACMG Guidelines, 2015. Collection method: not provided. Allele origin: germline. Inheritance: Autosomal recessive inheritance. Affected: yes.

PreventionGenetics, part of Exact Sciences
Classification: Benign. Review status: criteria provided, single submitter. Criteria: ACMG Guidelines, 2015. Collection method: clinical testing. Allele origin: germline.

Genetic Services Laboratory, University of Chicago
Classification: Likely benign for AllHighlyPenetrant. Review status: no assertion criteria provided. Collection method: clinical testing. Allele origin: germline. Inheritance: Autosomal recessive inheritance. Not counted in ClinVar's aggregate classification.
Comment: Likely benign based on allele frequency in 1000 Genomes Project or ESP global frequency and its presence in a patient with a rare or unrelated disease phenotype. NOT Sanger confirmed.